The following is an entry in ClinVar:

NM_000883.4(IMPDH1):c.133T>C (p.Tyr45His)

Genes: IMPDH1 (inosine monophosphate dehydrogenase 1; minus strand), LOC129999258 (ATAC-STARR-seq lymphoblastoid silent region 18606; plus strand). Cytogenetic location: 7q32.1.
Variant type: single nucleotide variant.
Coding change: c.133T>C on transcript NM_000883.4 (MANE Select); coding-DNA position 133, T replaced by C.
Protein change: p.Tyr45His; replaces tyrosine 45 with histidine.
Molecular consequence: missense variant.
Genome position (GRCh38, 1-based): chr7:128,409,769, A>G on the plus strand (T>C on the coding strand, the complement: IMPDH1 is on the minus strand). VCF-style: chr7-128409769-A-G. GRCh37 (hg19) VCF-style: chr7-128049823-A-G.
Other names: c.133T>C, p.Tyr45His (NM_001102605.2, NM_001142576.2, NM_001304521.2 and 1 more transcripts); short protein forms Y45H.
Identifiers: ClinVar variation 1057729 (VCV001057729.9), dbSNP rs1468478698, ClinGen allele CA369181785.
Genomic context (GRCh38, chr7:128,409,769, plus strand): 5'-GGCCGCCCGCCCCGGATGCGCCCCGCGCGCTCTGCCCTGGGCGTCACCTCTCGGGCTCGT[A>G]GCCGGCCTGCAGCAGTCGGGCGCTGTACCGCTGCGCCGCCGTCTCGTGTCCCGGGTGTTG-3'
Protein context (NP_000874.2, residues 35-55): RYSARLLQAG[Tyr45His]EPESPRLDLA

ClinVar aggregate classification (germline): Uncertain significance (1 of 4 stars; one submission).

Allele frequency attached by ClinVar (database versions not stated): gnomAD exomes 0.00001.
gnomAD v4.1: 15 of 1,522,120 alleles (0.00099%); highest among the groups gnomAD compares: Non-Finnish European, 0.0013%; no homozygotes.

Submission:

Labcorp Genetics (formerly Invitae), Labcorp
Classification: Uncertain significance. Last evaluated: 2022-07-19. Review status: criteria provided, single submitter. Criteria: Invitae Variant Classification Sherloc (09022015). Collection method: clinical testing. Allele origin: germline.
Comment: In summary, the available evidence is currently insufficient to determine the role of this variant in disease. Therefore, it has been classified as a Variant of Uncertain Significance. Algorithms developed to predict the effect of missense changes on protein structure and function are either unavailable or do not agree on the potential impact of this missense change (SIFT: "Deleterious"; PolyPhen-2: "Benign"; Align-GVGD: "Class C0"). ClinVar contains an entry for this variant (Variation ID: 1057729). This missense change has been observed in individual(s) with retinal degeneration (PMID: 16936083). This variant is not present in population databases (gnomAD no frequency). This sequence change replaces tyrosine, which is neutral and polar, with histidine, which is basic and polar, at codon 45 of the IMPDH1 protein (p.Tyr45His).

Literature cited by the submitters: PubMed 16936083.